The following is an entry in ClinVar:

NM_001378454.1(ALMS1):c.9905C>G (p.Ser3302Ter)

Gene: ALMS1 (ALMS1 centrosome and basal body associated protein; plus strand). Cytogenetic location: 2p13.1.
Variant type: single nucleotide variant.
Coding change: c.9905C>G on transcript NM_001378454.1 (MANE Select); coding-DNA position 9905, C replaced by G.
Protein change: p.Ser3302Ter; replaces serine 3302 with a stop codon.
Molecular consequence: nonsense.
Genome position (GRCh38, 1-based): chr2:73,534,947, C>G. VCF-style: chr2-73534947-C-G. GRCh37 (hg19) VCF-style: chr2-73762074-C-G.
Other names: c.9908C>G, p.Ser3303Ter (NM_015120.4); short protein forms S3302*, S3303*.
Identifiers: ClinVar variation 1452889 (VCV001452889.6), dbSNP rs1673996095, ClinGen allele CA347263810.

ClinVar aggregate classification (germline): Pathogenic (1 of 4 stars; one submission).

Conditions:
Alstrom syndrome (ALMS). Identifiers: Orphanet 64, MedGen C0268425, MONDO:0008763, OMIM 203800.

Submission:

Labcorp Genetics (formerly Invitae), Labcorp
Classification: Pathogenic for Alstrom syndrome. Last evaluated: 2021-05-18. Review status: criteria provided, single submitter. Criteria: Invitae Variant Classification Sherloc (09022015). Collection method: clinical testing. Allele origin: germline.
Comment: For these reasons, this variant has been classified as Pathogenic. This variant has not been reported in the literature in individuals with ALMS1-related conditions. This variant is not present in population databases (ExAC no frequency). This sequence change creates a premature translational stop signal (p.Ser3303*) in the ALMS1 gene. It is expected to result in an absent or disrupted protein product. Loss-of-function variants in ALMS1 are known to be pathogenic (PMID: 17594715).

Literature cited by the submitters: PubMed 17594715.